The following is an entry in ClinVar:

ClinVar aggregate classification (germline): Uncertain significance (1 of 4 stars; one submission).

Conditions:
Aortic aneurysm, familial thoracic 7 (AAT7). Also called: AORTIC DISSECTION, FAMILIAL, WITH OR WITHOUT AORTIC ANEURYSM. Identifiers: MedGen C3151077, MONDO:0013418, OMIM 613780.

Submission:

Labcorp Genetics (formerly Invitae), Labcorp
Classification: Uncertain significance for Aortic aneurysm, familial thoracic 7. Last evaluated: 2025-05-28. Review status: criteria provided, single submitter. Criteria: Invitae Variant Classification Sherloc (09022015). Collection method: clinical testing. Allele origin: germline.
Comment: This sequence change replaces lysine, which is basic and polar, with asparagine, which is neutral and polar, at codon 1520 of the MYLK protein (p.Lys1520Asn). This variant is not present in population databases (gnomAD no frequency). This variant has not been reported in the literature in individuals affected with MYLK-related conditions. Invitae Evidence Modeling of protein sequence and biophysical properties (such as structural, functional, and spatial information, amino acid conservation, physicochemical variation, residue mobility, and thermodynamic stability) indicates that this missense variant is not expected to disrupt MYLK protein function with a negative predictive value of 80%. In summary, the available evidence is currently insufficient to determine the role of this variant in disease. Therefore, it has been classified as a Variant of Uncertain Significance.

NM_053025.4(MYLK):c.4560G>C (p.Lys1520Asn)

Gene: MYLK (myosin light chain kinase; minus strand). Cytogenetic location: 3q21.1.
Variant type: single nucleotide variant.
Coding change: c.4560G>C on transcript NM_053025.4 (MANE Select); coding-DNA position 4560, G replaced by C.
Protein change: p.Lys1520Asn; replaces lysine 1520 with asparagine.
Molecular consequence: missense variant.
Genome position (GRCh38, 1-based): chr3:123,647,283, C>G on the plus strand (G>C on the coding strand, the complement: MYLK is on the minus strand). VCF-style: chr3-123647283-C-G. GRCh37 (hg19) VCF-style: chr3-123366130-C-G.
Other names: c.4032G>C, p.Lys1344Asn (NM_001321309.2); c.4353G>C, p.Lys1451Asn (NM_053026.4, NM_053028.4); c.4560G>C, p.Lys1520Asn (NM_053027.4); short protein forms K1451N, K1520N, K1344N.
Identifiers: ClinVar variation 4782057 (VCV004782057.1).